The following is an entry in ClinVar:

NM_000038.6(APC):c.4040C>A (p.Ala1347Asp)

Gene: APC (APC regulator of Wnt signaling pathway; plus strand). Cytogenetic location: 5q22.2.
Variant type: single nucleotide variant.
Coding change: c.4040C>A on transcript NM_000038.6 (MANE Select); coding-DNA position 4040, C replaced by A.
Protein change: p.Ala1347Asp; replaces alanine 1347 with aspartic acid.
Molecular consequence: missense variant. On other transcripts: non-coding transcript variant (2).
Genome position (GRCh38, 1-based): chr5:112,839,634, C>A. VCF-style: chr5-112839634-C-A. GRCh37 (hg19) VCF-style: chr5-112175331-C-A.
Other names: c.4040C>A, p.Ala1347Asp (NM_001127510.3, NM_001354895.2, NM_001407450.1); c.3986C>A, p.Ala1329Asp (NM_001127511.3); c.4094C>A, p.Ala1365Asp (NM_001354896.2, NM_001407447.1, NM_001407448.1 and 1 more transcripts); c.4070C>A, p.Ala1357Asp (NM_001354897.2); c.3965C>A, p.Ala1322Asp (NM_001354898.2); c.3956C>A, p.Ala1319Asp (NM_001354899.2); c.3917C>A, p.Ala1306Asp (NM_001354900.2); c.3863C>A, p.Ala1288Asp (NM_001354901.2, NM_001407453.1); and 11 more; short protein forms A1221D, A1256D, A1337D, A1375D, A1365D, A963D, A1064D, A1218D.
Identifiers: ClinVar variation 5025008 (VCV005025008.1).

ClinVar aggregate classification (germline): Uncertain significance (1 of 4 stars; one submission).

Conditions:
Hereditary cancer-predisposing syndrome. Also called: Neoplastic Syndromes, Hereditary; Tumor predisposition; Hereditary neoplastic syndrome; Hereditary Cancer Syndrome. Identifiers: Orphanet 140162, MedGen C0027672, MeSH D009386, MONDO:0015356.

gnomAD v4.1: 1 of 1,614,122 alleles (0.000062%); highest among the groups gnomAD compares: Admixed American, 0.0017%; no homozygotes.

Submission:

Ambry Genetics
Classification: Uncertain significance for Hereditary cancer-predisposing syndrome. Last evaluated: 2026-07-06. Review status: criteria provided, single submitter. Criteria: Ambry Variant Classification Scheme 2023. Collection method: clinical testing. Allele origin: germline.
Comment: The p.A1347D variant (also known as c.4040C>A), located in coding exon 15 of the APC gene, results from a C to A substitution at nucleotide position 4040. The alanine at codon 1347 is replaced by aspartic acid, an amino acid with dissimilar properties. This amino acid position is conserved. In addition, in silico predictors for this gene do not accurately predict pathogenicity. Based on the available evidence, the clinical significance of this variant remains unclear.